The following is an entry in ClinVar:

ClinVar aggregate classification (germline): Uncertain significance (1 of 4 stars; one submission).

Submission:

Labcorp Genetics (formerly Invitae), Labcorp
Classification: Uncertain significance. Last evaluated: 2022-03-04. Review status: criteria provided, single submitter. Criteria: Invitae Variant Classification Sherloc (09022015). Collection method: clinical testing. Allele origin: germline.
Comment: This sequence change replaces isoleucine, which is neutral and non-polar, with leucine, which is neutral and non-polar, at codon 412 of the NSUN2 protein (p.Ile412Leu). This variant is not present in population databases (gnomAD no frequency). This variant has not been reported in the literature in individuals affected with NSUN2-related conditions. Algorithms developed to predict the effect of missense changes on protein structure and function are either unavailable or do not agree on the potential impact of this missense change (SIFT: "Deleterious"; PolyPhen-2: "Benign"; Align-GVGD: "Class C0"). Algorithms developed to predict the effect of sequence changes on RNA splicing suggest that this variant may create or strengthen a splice site. In summary, the available evidence is currently insufficient to determine the role of this variant in disease. Therefore, it has been classified as a Variant of Uncertain Significance.

NM_017755.6(NSUN2):c.1234A>T (p.Ile412Leu)

Gene: NSUN2 (NOP2/Sun RNA methyltransferase 2; minus strand). Cytogenetic location: 5p15.31.
Variant type: single nucleotide variant.
Coding change: c.1234A>T on transcript NM_017755.6 (MANE Select); coding-DNA position 1234, A replaced by T.
Protein change: p.Ile412Leu; replaces isoleucine 412 with leucine.
Molecular consequence: missense variant. On other transcripts: non-coding transcript variant (1).
Genome position (GRCh38, 1-based): chr5:6,609,915, T>A on the plus strand (A>T on the coding strand, the complement: NSUN2 is on the minus strand). VCF-style: chr5-6609915-T-A. GRCh37 (hg19) VCF-style: chr5-6610028-T-A.
Other names: c.1129A>T, p.Ile377Leu (NM_001193455.2); short protein forms I377L, I412L.
Identifiers: ClinVar variation 1931821 (VCV001931821.5), dbSNP rs2477423322, ClinGen allele CA359120497.